The following is an entry in ClinVar:

ClinVar aggregate classification (germline): Uncertain significance. Review status: criteria provided, multiple submitters, no conflicts (2 of 4 stars). 2 submissions from 2 submitters: Uncertain significance (2). Last evaluated 2024-11-08.

Conditions:
Inborn genetic diseases. Identifiers: MedGen C0950123, MeSH D030342.

Allele frequency attached by ClinVar (database versions not stated): ExAC 0.00002; gnomAD 0.00002; TOPMed 0.00004; ESP Exome Variant Server 0.00008.
gnomAD v4.1: 18 of 1,613,814 alleles (0.0011%); highest among the groups gnomAD compares: Non-Finnish European, 0.0015%; no homozygotes.

Submissions (2):

Ambry Genetics
Classification: Uncertain significance for Inborn genetic diseases. Last evaluated: 2024-11-08. Review status: criteria provided, single submitter. Criteria: Ambry Variant Classification Scheme 2023. Collection method: clinical testing. Allele origin: germline.

Labcorp Genetics (formerly Invitae), Labcorp
Classification: Uncertain significance. Last evaluated: 2022-06-17. Review status: criteria provided, single submitter. Criteria: Invitae Variant Classification Sherloc (09022015). Collection method: clinical testing. Allele origin: germline.
Comment: This sequence change replaces alanine, which is neutral and non-polar, with proline, which is neutral and non-polar, at codon 2014 of the DMXL2 protein (p.Ala2014Pro). This variant is present in population databases (rs199547673, gnomAD 0.004%). This variant has not been reported in the literature in individuals affected with DMXL2-related conditions. Algorithms developed to predict the effect of missense changes on protein structure and function (SIFT, PolyPhen-2, Align-GVGD) all suggest that this variant is likely to be tolerated. In summary, the available evidence is currently insufficient to determine the role of this variant in disease. Therefore, it has been classified as a Variant of Uncertain Significance.

NM_001378457.1(DMXL2):c.6040G>C (p.Ala2014Pro)

Gene: DMXL2 (Dmx like 2; minus strand). Cytogenetic location: 15q21.2.
Variant type: single nucleotide variant.
Coding change: c.6040G>C on transcript NM_001378457.1 (MANE Select); coding-DNA position 6040, G replaced by C.
Protein change: p.Ala2014Pro; replaces alanine 2014 with proline.
Molecular consequence: missense variant. On other transcripts: non-coding transcript variant (2).
Genome position (GRCh38, 1-based): chr15:51,481,066, C>G on the plus strand (G>C on the coding strand, the complement: DMXL2 is on the minus strand). VCF-style: chr15-51481066-C-G. GRCh37 (hg19) VCF-style: chr15-51773263-C-G.
Other names: c.6040G>C, p.Ala2014Pro (NM_001174116.3, NM_001378458.1, NM_001378459.1 and 4 more transcripts); c.4132G>C, p.Ala1378Pro (NM_001174117.3); c.4021G>C, p.Ala1341Pro (NM_001378460.1); c.5800G>C, p.Ala1934Pro (NM_001378464.1); c.6040G>C (NM_001174116.1); short protein forms A1378P, A1341P, A1934P, A2014P.
Identifiers: ClinVar variation 1506074 (VCV001506074.6), dbSNP rs199547673, ClinGen allele CA7561697.